The following is an entry in ClinVar:

ClinVar aggregate classification (germline): Benign (1 of 4 stars; one submission).

Conditions:
MELAS syndrome (MELAS). Also called: Juvenile myopathy, encephalopathy, lactic acidosis, stroke. Identifiers: Orphanet 550, MedGen C0162671, MONDO:0010789, OMIM 540000.

Submission:

Wong Mito Lab, Molecular and Human Genetics, Baylor College of Medicine
Classification: Benign for MELAS syndrome. Last evaluated: 2019-07-12. Review status: criteria provided, single submitter. Criteria: Modified ACMG Guidelines (Unpublished). Collection method: clinical testing. Allele origin: germline.
Comment: The NC_012920.1:m.15902A>G variant in MT-TT gene is interpreted to be a Benign variant based on the modified ACMG guidelines (unpublished). This variant meets the following evidence codes reported in the guidelines: BS1, BS2, BP4

Literature cited by the submitters: PubMed 31965079.

NC_012920.1(MT-TT):m.15902A>G

Gene: MT-TT (mitochondrially encoded tRNA threonine; plus strand).
Variant type: single nucleotide variant.
Genome position: chrM-15902-A-G.
Identifiers: ClinVar variation 690222 (VCV000690222.1), dbSNP rs1556424685, ClinGen allele CA913175161.
Genomic context (GRCh38, chrMT:15,902, plus strand): 5'-ATACCAACTATCTCCCTAATTGAAAACAAAATACTCAAATGGGCCTGTCCTTGTAGTATA[A>G]ACTAATACACCAGTCTTGTAAACCGGAGATGAAAACCTTTTTCCAAGGACAAATCAGAGA-3'